The following is an entry in ClinVar:

ClinVar aggregate classification (germline): Uncertain significance (1 of 4 stars; one submission).

Submission:

CeGaT Center for Human Genetics Tuebingen
Classification: Uncertain significance. Last evaluated: 2022-04-01. Review status: criteria provided, single submitter. Criteria: CeGaT Center For Human Genetics Tuebingen Variant Classification Criteria Version 2. Collection method: clinical testing. Allele origin: germline. Affected: yes. Observed: 1 variant allele.
Comment: KCNT2: PM2, PP2

NM_198503.5(KCNT2):c.2317A>C (p.Met773Leu)

Gene: KCNT2 (potassium sodium-activated channel subfamily T member 2; minus strand). Cytogenetic location: 1q31.3.
Variant type: single nucleotide variant.
Coding change: c.2317A>C on transcript NM_198503.5 (MANE Select); coding-DNA position 2317, A replaced by C.
Protein change: p.Met773Leu; replaces methionine 773 with leucine.
Molecular consequence: missense variant. On other transcripts: non-coding transcript variant (1), intron variant (2).
Genome position (GRCh38, 1-based): chr1:196,319,515, T>G on the plus strand (A>C on the coding strand, the complement: KCNT2 is on the minus strand). VCF-style: chr1-196319515-T-G. GRCh37 (hg19) VCF-style: chr1-196288645-T-G.
Other names: c.2127-3489A>C (NM_001287820.3); c.2277-3489A>C (NM_001287819.3); short protein forms M773L.
Identifiers: ClinVar variation 2639677 (VCV002639677.24), dbSNP rs774177783, ClinGen allele CA343976026.